The following is an entry in ClinVar:

ClinVar aggregate classification (germline): Likely benign. Review status: criteria provided, single submitter (1 of 4 stars). 2 submissions from 2 submitters: Likely benign (1). 1 of the submissions does not count toward it. Last evaluated 2025-08-18.

Conditions:
PLOD3-related disorder. Also called: PLOD3-related condition.

Allele frequency attached by ClinVar (database versions not stated): ExAC 0.00003; gnomAD 0.00003; TOPMed 0.00004; gnomAD exomes 0.00005.
gnomAD v4.1: 77 of 1,613,766 alleles (0.0048%); highest among the groups gnomAD compares: Admixed American, 0.0067%; no homozygotes.

Submissions (2):

Labcorp Genetics (formerly Invitae), Labcorp
Classification: Likely benign. Last evaluated: 2025-08-18. Review status: criteria provided, single submitter. Criteria: Invitae Variant Classification Sherloc (09022015). Collection method: clinical testing. Allele origin: germline.

PreventionGenetics, part of Exact Sciences
Classification: Likely benign for PLOD3-related condition. Last evaluated: 2024-07-10. Review status: no assertion criteria provided. Collection method: clinical testing. Allele origin: germline. Not counted in ClinVar's aggregate classification.
Comment: This variant is classified as likely benign based on ACMG/AMP sequence variant interpretation guidelines (Richards et al. 2015 PMID: 25741868, with internal and published modifications).

NM_001084.5(PLOD3):c.453G>A (p.Ala151=)

Gene: PLOD3 (procollagen-lysine,2-oxoglutarate 5-dioxygenase 3; minus strand). Cytogenetic location: 7q22.1.
Variant type: single nucleotide variant.
Coding change: c.453G>A on transcript NM_001084.5 (MANE Select); coding-DNA position 453, G replaced by A.
Protein change: p.Ala151=; no amino-acid change (alanine 151 retained).
Molecular consequence: synonymous variant.
Genome position (GRCh38, 1-based): chr7:101,216,212, C>T on the plus strand (G>A on the coding strand, the complement: PLOD3 is on the minus strand). VCF-style: chr7-101216212-C-T. GRCh37 (hg19) VCF-style: chr7-100859493-C-T.
Identifiers: ClinVar variation 726841 (VCV000726841.9), dbSNP rs752562392, ClinGen allele CA4408197.